The following is an entry in ClinVar:

ClinVar aggregate classification (germline): Uncertain significance. Review status: criteria provided, multiple submitters, no conflicts (2 of 4 stars). 4 submissions from 4 submitters: Uncertain significance (4). Last evaluated 2025-08-03.

Conditions:
Hereditary cancer-predisposing syndrome. Also called: Hereditary Cancer Syndrome; Neoplastic Syndromes, Hereditary; Hereditary neoplastic syndrome; Tumor predisposition. Identifiers: Orphanet 140162, MedGen C0027672, MeSH D009386, MONDO:0015356.
Juvenile polyposis syndrome (JPS). Identifiers: Orphanet 2929, MedGen C0345893, MONDO:0017380, OMIM 174900.
Pulmonary arterial hypertension. Identifiers: Orphanet 182090, MedGen C2973725, MeSH D000081029, MONDO:0015924, HP:0002092.

Allele frequency attached by ClinVar (database versions not stated): gnomAD exomes below 0.00001; gnomAD 0.00001.
gnomAD v4.1: 2 of 1,613,788 alleles (0.00012%); highest among the groups gnomAD compares: Non-Finnish European, 0.000085%; no homozygotes.

Submissions (4):

Labcorp Genetics (formerly Invitae), Labcorp
Classification: Uncertain significance for Juvenile polyposis syndrome. Last evaluated: 2025-08-03. Review status: criteria provided, single submitter. Criteria: Invitae Variant Classification Sherloc (09022015). Collection method: clinical testing. Allele origin: germline.
Comment: This sequence change replaces leucine, which is neutral and non-polar, with arginine, which is basic and polar, at codon 305 of the BMPR1A protein (p.Leu305Arg). This variant is present in population databases (no rsID available, gnomAD 0.03%). This variant has not been reported in the literature in individuals affected with BMPR1A-related conditions. ClinVar contains an entry for this variant (Variation ID: 823052). Invitae Evidence Modeling of protein sequence and biophysical properties (such as structural, functional, and spatial information, amino acid conservation, physicochemical variation, residue mobility, and thermodynamic stability) has been performed for this missense variant. However, the output from this modeling did not meet the statistical confidence thresholds required to predict the impact of this variant on BMPR1A protein function. In summary, the available evidence is currently insufficient to determine the role of this variant in disease. Therefore, it has been classified as a Variant of Uncertain Significance.

Ambry Genetics
Classification: Uncertain significance for Hereditary cancer-predisposing syndrome. Last evaluated: 2024-11-12. Review status: criteria provided, single submitter. Criteria: Ambry Variant Classification Scheme 2023. Collection method: clinical testing. Allele origin: germline.
Comment: The p.L305R variant (also known as c.914T>G), located in coding exon 8 of the BMPR1A gene, results from a T to G substitution at nucleotide position 914. The leucine at codon 305 is replaced by arginine, an amino acid with dissimilar properties. This amino acid position is highly conserved in available vertebrate species. In addition, this alteration is predicted to be deleterious by in silico analysis. Based on the available evidence, the clinical significance of this variant remains unclear.

Color Diagnostics, LLC DBA Color Health
Classification: Uncertain significance for Hereditary cancer-predisposing syndrome. Last evaluated: 2023-12-05. Review status: criteria provided, single submitter. Criteria: ACMG Guidelines, 2015. Collection method: clinical testing. Allele origin: germline.
Comment: This missense variant replaces leucine with arginine at codon 305 of the BMPR1A protein. Computational prediction suggests that this variant may have deleterious impact on protein structure and function (internally defined REVEL score threshold >= 0.7, PMID: 27666373). To our knowledge, functional studies have not been reported for this variant. This variant has not been reported in individuals affected with BMPR1A-related disorders in the literature. This variant has been identified in 4/31390 chromosomes in the general population by the Genome Aggregation Database (gnomAD). The available evidence is insufficient to determine the role of this variant in disease conclusively. Therefore, this variant is classified as a Variant of Uncertain Significance.

Department of Pathology and Laboratory Medicine, Sinai Health System
Classification: Uncertain significance for pulmonary arterial hypertension. Last evaluated: 2023-10-06. Review status: criteria provided, single submitter. Criteria: ACMG Guidelines, 2015. Collection method: clinical testing. Allele origin: germline. Affected: no.

NM_004329.3(BMPR1A):c.914T>G (p.Leu305Arg)

Gene: BMPR1A (bone morphogenetic protein receptor type 1A; plus strand). Cytogenetic location: 10q23.2.
Variant type: single nucleotide variant.
Coding change: c.914T>G on transcript NM_004329.3 (MANE Select); coding-DNA position 914, T replaced by G.
Protein change: p.Leu305Arg; replaces leucine 305 with arginine.
Molecular consequence: missense variant.
Genome position (GRCh38, 1-based): chr10:86,919,217, T>G. VCF-style: chr10-86919217-T-G. GRCh37 (hg19) VCF-style: chr10-88678974-T-G.
Other names: short protein forms L305R.
Identifiers: ClinVar variation 823052 (VCV000823052.13), dbSNP rs1453306253, ClinGen allele CA377460016.
Genomic context (GRCh38, chr10:86,919,217, plus strand): 5'-TCATCAACTGGACAGGTTTCATAGCGGCAGACATTAAAGGTACAGGTTCCTGGACTCAGC[T>G]CTATTTGATTACTGATTACCATGAAAATGGATCTCTCTATGACTTCCTGAAATGTGCTAC-3'
Protein context (NP_004320.2, residues 295-315): DIKGTGSWTQ[Leu305Arg]YLITDYHENG